The following is an entry in ClinVar:

ClinVar aggregate classification (germline): Uncertain significance (1 of 4 stars; one submission).

Allele frequency attached by ClinVar (database versions not stated): gnomAD 0.00003; TOPMed 0.00003.
gnomAD v4.1: 59 of 1,549,194 alleles (0.0038%); highest among the groups gnomAD compares: Middle Eastern, 0.15%; no homozygotes.

Submission:

GeneDx
Classification: Uncertain significance. Last evaluated: 2023-12-09. Review status: criteria provided, single submitter. Criteria: GeneDx Variant Classification Process June 2021. Collection method: clinical testing. Allele origin: germline. Affected: yes.
Comment: In silico analysis supports that this missense variant has a deleterious effect on protein structure/function; Has not been previously published as pathogenic or benign to our knowledge; Variants in candidate genes are classified as variants of uncertain significance in accordance with ACMG guidelines (PMID: 25741868)

NM_144666.3(DNHD1):c.10320T>A (p.Asp3440Glu)

Gene: DNHD1 (dynein heavy chain domain 1; plus strand). Cytogenetic location: 11p15.4.
Variant type: single nucleotide variant.
Coding change: c.10320T>A on transcript NM_144666.3 (MANE Select); coding-DNA position 10320, T replaced by A.
Protein change: p.Asp3440Glu; replaces aspartic acid 3440 with glutamic acid.
Molecular consequence: missense variant.
Genome position (GRCh38, 1-based): chr11:6,564,368, T>A. VCF-style: chr11-6564368-T-A. GRCh37 (hg19) VCF-style: chr11-6585598-T-A.
Other names: short protein forms D3440E.
Identifiers: ClinVar variation 3252345 (VCV003252345.1), dbSNP rs1022193857.
Genomic context (GRCh38, chr11:6,564,368, plus strand): 5'-CCTCTGGTCTTCCCTTCCACTCCAGAAGCTGAAGGGACGCTGCATGACTGTGTTTGGAGA[T>A]ACCCTCCTATGTTCAGCTGCCATCATCTACCTGGGTCCCTTCCCACCATTGCGGCGCCAA-3'
Protein context (NP_653267.2, residues 3430-3450): LKGRCMTVFG[Asp3440Glu]TLLCSAAIIY